The following is an entry in ClinVar:

NM_016035.5(COQ4):c.70+2C>A

Gene: COQ4 (coenzyme Q4; plus strand). Cytogenetic location: 9q34.11.
Variant type: single nucleotide variant.
Coding change: c.70+2C>A on transcript NM_016035.5 (MANE Select); the canonical splice donor site of the intron after coding-DNA position 70, C replaced by A.
Molecular consequence: splice donor variant.
Genome position (GRCh38, 1-based): chr9:128,322,930, C>A. VCF-style: chr9-128322930-C-A. GRCh37 (hg19) VCF-style: chr9-131085209-C-A.
Other names: c.70+2C>A (NM_001305942.2).
Identifiers: ClinVar variation 3651110 (VCV003651110.2).

ClinVar aggregate classification (germline): Likely pathogenic (1 of 4 stars; one submission).

Conditions:
Neonatal encephalomyopathy-cardiomyopathy-respiratory distress syndrome. Also called: Coenzyme Q10 deficiency, primary, 7. Identifiers: Orphanet 457185, MedGen C5568562, MONDO:0014562, OMIM 616276.

gnomAD v4.1: 11 of 1,601,482 alleles (0.00069%); highest among the groups gnomAD compares: Non-Finnish European, 0.00076%; no homozygotes.

Submission:

Labcorp Genetics (formerly Invitae), Labcorp
Classification: Likely pathogenic for Neonatal encephalomyopathy-cardiomyopathy-respiratory distress syndrome. Last evaluated: 2025-09-02. Review status: criteria provided, single submitter. Criteria: Invitae Variant Classification Sherloc (09022015). Collection method: clinical testing. Allele origin: germline.
Comment: This sequence change affects a donor splice site in intron 1 of the COQ4 gene. It is expected to disrupt RNA splicing. Variants that disrupt the donor or acceptor splice site typically lead to a loss of protein function (PMID: 16199547), and loss-of-function variants in COQ4 are known to be pathogenic (PMID: 25658047). This variant is present in population databases (no rsID available, gnomAD 0.001%). Disruption of this splice site has been observed in individual(s) with epilepsy (PMID: 31440721). ClinVar contains an entry for this variant (Variation ID: 3651110). Variants that disrupt the consensus splice site are a relatively common cause of aberrant splicing (PMID: 17576681, 9536098). Algorithms developed to predict the effect of sequence changes on RNA splicing suggest that this variant may disrupt the consensus splice site. In summary, the currently available evidence indicates that the variant is pathogenic, but additional data are needed to prove that conclusively. Therefore, this variant has been classified as Likely Pathogenic.

Literature cited by the submitters: PubMed 16199547; PubMed 25658047; PubMed 31440721; PubMed 17576681; PubMed 9536098.